The following is an entry in ClinVar:

ClinVar aggregate classification (germline): Pathogenic (1 of 4 stars; one submission).

Submission:

GeneDx
Classification: Pathogenic. Last evaluated: 2018-06-14. Review status: criteria provided, single submitter. Criteria: GeneDx Variant Classification (06012015). Collection method: clinical testing. Allele origin: germline. Affected: yes.
Comment: The Q1040X variant in the KAT6B gene has not been reported previously as a pathogenic variant nor as a benign variant, to our knowledge. This variant is predicted to cause loss of normal protein function either through protein truncation or nonsense-mediated mRNA decay. Furthermore, the Q1040X variant is not observed in large population cohorts (Lek et al., 2016). We interpret Q1040X as a pathogenic variant.

NM_012330.4(KAT6B):c.3118C>T (p.Gln1040Ter)

Gene: KAT6B (lysine acetyltransferase 6B; plus strand). Cytogenetic location: 10q22.2.
Variant type: single nucleotide variant.
Coding change: c.3118C>T on transcript NM_012330.4 (MANE Select); coding-DNA position 3118, C replaced by T.
Protein change: p.Gln1040Ter; replaces glutamine 1040 with a stop codon.
Molecular consequence: nonsense.
Genome position (GRCh38, 1-based): chr10:75,021,977, C>T. VCF-style: chr10-75021977-C-T. GRCh37 (hg19) VCF-style: chr10-76781735-C-T.
Other names: c.2569C>T, p.Gln857Ter (NM_001256468.2, NM_001370138.1); c.2242C>T, p.Gln748Ter (NM_001256469.2, NM_001370139.1, NM_001370140.1 and 2 more transcripts); c.2080C>T, p.Gln694Ter (NM_001370132.1); c.1429C>T, p.Gln477Ter (NM_001370133.1); c.1033C>T, p.Gln345Ter (NM_001370134.1); c.775C>T, p.Gln259Ter (NM_001370135.1); c.3118C>T, p.Gln1040Ter (NM_001370136.1, NM_001370137.1); c.2053C>T, p.Gln685Ter (NM_001370143.1, NM_001370144.1); short protein forms Q1040*, Q748*, Q259*, Q857*, Q685*, Q694*, Q345*, Q477*.
Identifiers: ClinVar variation 561859 (VCV000561859.1), dbSNP rs1564625942, ClinGen allele CA377283770.